The following is an entry in ClinVar:

NM_001042492.3(NF1):c.4888dup (p.Thr1630fs)

Gene: NF1 (neurofibromin 1; plus strand). Cytogenetic location: 17q11.2.
Variant type: Duplication.
Coding change: c.4888dup on transcript NM_001042492.3 (MANE Select); coding-DNA position 4888, one base duplicated (A; older notation c.4888dupA).
Protein change: p.Thr1630fs; shifts the reading frame from threonine 1630.
Molecular consequence: frameshift variant.
Genome position (GRCh38, 1-based): chr17:31,325,872, A duplicated. VCF-style (leftmost placement, unchanged base first): chr17-31325871-G-GA. GRCh37 (hg19) VCF-style: chr17-29652889-G-GA.
Other names: c.4825dup, p.Thr1609fs (NM_000267.4); short protein forms T1609fs, T1630fs.
Identifiers: ClinVar variation 4730321 (VCV004730321.1).

ClinVar aggregate classification (germline): Pathogenic (1 of 4 stars; one submission).

Conditions:
Neurofibromatosis, type 1 (NF1). Also called: VON RECKLINGHAUSEN DISEASE; Peripheral type neurofibromatosis; NEUROFIBROMATOSIS, TYPE I, SOMATIC; Neurofibromatosis, type I. Identifiers: Orphanet 636, MedGen C0027831, MONDO:0018975, OMIM 162200. Disease mechanism: loss of function.

Submission:

Labcorp Genetics (formerly Invitae), Labcorp
Classification: Pathogenic for Neurofibromatosis, type 1. Last evaluated: 2025-11-02. Review status: criteria provided, single submitter. Criteria: Invitae Variant Classification Sherloc (09022015). Collection method: clinical testing. Allele origin: germline.
Comment: This sequence change creates a premature translational stop signal (p.Thr1609Asnfs*11) in the NF1 gene. It is expected to result in an absent or disrupted protein product. Loss-of-function variants in NF1 are known to be pathogenic (PMID: 10712197, 23913538). This variant is not present in population databases (gnomAD no frequency). This variant has not been reported in the literature in individuals affected with NF1-related conditions. For these reasons, this variant has been classified as Pathogenic.

Literature cited by the submitters: PubMed 10712197; PubMed 23913538.